The following is an entry in ClinVar:

ClinVar aggregate classification (germline): Uncertain significance (1 of 4 stars; one submission).

Submission:

Labcorp Genetics (formerly Invitae), Labcorp
Classification: Uncertain significance. Last evaluated: 2023-10-17. Review status: criteria provided, single submitter. Criteria: Invitae Variant Classification Sherloc (09022015). Collection method: clinical testing. Allele origin: germline.
Comment: This sequence change replaces arginine, which is basic and polar, with methionine, which is neutral and non-polar, at codon 2 of the TUBB3 protein (p.Arg2Met). This variant is not present in population databases (gnomAD no frequency). This variant has not been reported in the literature in individuals affected with TUBB3-related conditions. Advanced modeling of protein sequence and biophysical properties (such as structural, functional, and spatial information, amino acid conservation, physicochemical variation, residue mobility, and thermodynamic stability) performed at Invitae indicates that this missense variant is expected to disrupt TUBB3 protein function. In summary, the available evidence is currently insufficient to determine the role of this variant in disease. Therefore, it has been classified as a Variant of Uncertain Significance.

NM_006086.4(TUBB3):c.5G>T (p.Arg2Met)

Genes: TUBB3 (tubulin beta 3 class III; plus strand), LOC130059847 (ATAC-STARR-seq lymphoblastoid silent region 7932; plus strand). Cytogenetic location: 16q24.3.
Variant type: single nucleotide variant.
Coding change: c.5G>T on transcript NM_006086.4 (MANE Select); coding-DNA position 5, G replaced by T.
Protein change: p.Arg2Met; replaces arginine 2 with methionine.
Molecular consequence: missense variant. On other transcripts: intron variant (1).
Genome position (GRCh38, 1-based): chr16:89,923,406, G>T. VCF-style: chr16-89923406-G-T. GRCh37 (hg19) VCF-style: chr16-89989814-G-T.
Other names: c.-160+1161G>T (NM_001197181.2); short protein forms R2M.
Identifiers: ClinVar variation 2769602 (VCV002769602.3), dbSNP rs2544615173, ClinGen allele CA397466785.